The following is an entry in ClinVar:

ClinVar aggregate classification (germline): Uncertain significance (1 of 4 stars; one submission).

Submission:

GeneDx
Classification: Uncertain significance. Last evaluated: 2019-10-21. Review status: criteria provided, single submitter. Criteria: GeneDx Variant Classification Process June 2021. Collection method: clinical testing. Allele origin: germline. Affected: yes.
Comment: Not observed in large population cohorts (Lek et al., 2016); The majority of missense variants in this gene are considered pathogenic (Stenson et al., 2014); In silico analysis, which includes protein predictors and evolutionary conservation, supports that this variant does not alter protein structure/function; Has not been previously published as pathogenic or benign to our knowledge

NM_004333.6(BRAF):c.497G>A (p.Arg166Lys)

Gene: BRAF (B-Raf proto-oncogene, serine/threonine kinase; minus strand). Cytogenetic location: 7q34.
Variant type: single nucleotide variant.
Coding change: c.497G>A on transcript NM_004333.6 (MANE Select); coding-DNA position 497, G replaced by A.
Protein change: p.Arg166Lys; replaces arginine 166 with lysine.
Molecular consequence: missense variant. On other transcripts: intron variant (1).
Genome position (GRCh38, 1-based): chr7:140,834,616, C>T on the plus strand (G>A on the coding strand, the complement: BRAF is on the minus strand). VCF-style: chr7-140834616-C-T. GRCh37 (hg19) VCF-style: chr7-140534416-C-T.
Other names: c.497G>A, p.Arg166Lys (NM_001354609.2, NM_001374244.1, NM_001374258.1 and 5 more transcripts); c.395G>A, p.Arg132Lys (NM_001378470.1); c.341G>A, p.Arg114Lys (NM_001378472.1, NM_001378473.1); c.240+15495G>A (NM_001378475.1); short protein forms R114K, R132K, R166K.
Identifiers: ClinVar variation 1320454 (VCV001320454.2), dbSNP rs2129061937, ClinGen allele CA369593422.